The following is an entry in ClinVar:

ClinVar aggregate classification (germline): Uncertain significance (1 of 4 stars; one submission).

Allele frequency attached by ClinVar (database versions not stated): 1000 Genomes Project 30x 0.00016; 1000 Genomes Project 0.00020; ESP Exome Variant Server 0.00024.
gnomAD v4.1: 232 of 1,613,622 alleles (0.014%); highest among the groups gnomAD compares: African/African-American, 0.02%; no homozygotes.

Submission:

CeGaT Center for Human Genetics Tuebingen
Classification: Uncertain significance. Last evaluated: 2023-02-01. Review status: criteria provided, single submitter. Criteria: CeGaT Center For Human Genetics Tuebingen Variant Classification Criteria Version 2. Collection method: clinical testing. Allele origin: germline. Affected: yes. Observed: 1 variant allele.
Comment: GEMIN4: PM2, BP4

NM_015721.3(GEMIN4):c.980G>C (p.Trp327Ser)

Gene: GEMIN4 (gem nuclear organelle associated protein 4; minus strand). Cytogenetic location: 17p13.3.
Variant type: single nucleotide variant.
Coding change: c.980G>C on transcript NM_015721.3 (MANE Select); coding-DNA position 980, G replaced by C.
Protein change: p.Trp327Ser; replaces tryptophan 327 with serine.
Molecular consequence: missense variant.
Genome position (GRCh38, 1-based): chr17:747,063, C>G on the plus strand (G>C on the coding strand, the complement: GEMIN4 is on the minus strand). VCF-style: chr17-747063-C-G. GRCh37 (hg19) VCF-style: chr17-650303-C-G.
Other names: short protein forms W327S.
Identifiers: ClinVar variation 2647172 (VCV002647172.24), dbSNP rs200678582, ClinGen allele CA8262753.